The following continues an entry in ClinVar:

NM_001042492.3(NF1):c.3827G>A (p.Arg1276Gln)

Gene: NF1. ClinVar aggregate classification (germline): Pathogenic. Pathogenic (26).

Submissions 24 to 29 of 29:

Center for Pediatric Genomic Medicine, Children's Mercy Hospital and Clinics
Classification: Pathogenic. Last evaluated: 2016-06-22. Review status: criteria provided, single submitter. Criteria: ACMG Guidelines, 2015. Collection method: clinical testing. Allele origin: germline.

Laboratory for Molecular Medicine, Mass General Brigham Personalized Medicine
Classification: Pathogenic for Neurofibromatosis, type 1; CafÃ©-au-lait macules with pulmonary stenosis. Last evaluated: 2016-01-29. Review status: criteria provided, single submitter. Criteria: LMM Criteria. Collection method: clinical testing. Allele origin: germline. Inheritance: Autosomal dominant inheritance. Observed: 4 variant alleles.
Comment: The p.Arg1276Gln variant in NF1 has been reported in >15 individuals with Neurof ibromatosis type 1 (NF1) (Fahsold 2000, Mattocks 2004, Jeong 2006, Thomas 2012, Nemethova 2013, Mendelian Genes LOVD), 1 individual with Watson syndrome (Ben-sh achar 2013), and segregated with disease in 2 affected relatives from 2 families (Nemethova 2013, Mendelian Genes LOVD). This variant was also reported to have occurred de novo in three of these individuals (Mendelian Genes LOVD). It was al so absent from large population studies (dbSNP rs137854556). In-vitro functional studies provide some evidence that this variant severely impacts protein functi on (Ahmadian 1997, Thomas 2012). In summary, this variant meets criteria to be c lassified as pathogenic for Neurofibromatosis 1 in an autosomal dominant manner based upon segregation studies, absence from controls, and functional evidence.

Center for Genomics, Ann and Robert H. Lurie Children's Hospital of Chicago
Classification: Pathogenic for Café-au-lait macules with pulmonary stenosis; Juvenile myelomonocytic leukemia; Neurofibromatosis, familial spinal; Neurofibromatosis, type 1; Neurofibromatosis-Noonan syndrome. Review status: criteria provided, single submitter. Criteria: ACMG Guidelines, 2015. Collection method: clinical testing. Allele origin: germline.
Comment: NF1 NM_000267.3 exon 28 p.Arg1276Gln (c.3827G>A): This variant has been reported in the literature in at least 8 individuals (Fahsold 2000 PMID:10712197, Mattocks 2004 PMID:15060124, Jeong 2006 PMID:16479075, Ko 2013 PMID:23668869, Nemethova 2013 PMID:23758643, Evans 2016 PMID:27322474). This variant was reported to segregate with disease in at least 2 affected family members (Ko 2013 PMID:23668869, Nemethova 2013 PMID:23758643). This variant was also reported in at least 2 individuals with Watson syndrome (Ben-Shachar 2013 PMID:23047742, Evans 2016 PMID:27322474). This variant is present in 1/15300 African alleles in the Genome Aggregation Database. Please note, disease causing variants may be present in control databases at low frequencies, reflective of the general population and/or variable expressivity. This variant is present in ClinVar, with several labs classifying this variant as pathogenic (Variation ID:68341). Evolutionary conservation and computational predictive tools also suggest that this variant may impact the protein. In addition, functional studies have suggested a disease causing impact of this variant, with increased levels of GTP-bound Ras protein vs. wild type (Thomas 2012 PMID:22807134). Of note, two other variants at this codon (p.Arg1276Gly and p.Arg1276Pro) have been reported in association with disease, supporting that this region has functional significance. In summary, this variant is classified as pathogenic based on the data above.

Clinical Genetics DNA and cytogenetics Diagnostics Lab, Erasmus MC, Erasmus Medical Center
Classification: Pathogenic. Review status: no assertion criteria provided. Collection method: clinical testing. Allele origin: germline. Affected: yes. Study: VKGL Data-share Consensus. Not counted in ClinVar's aggregate classification.

Joint Genome Diagnostic Labs from Nijmegen and Maastricht, Radboudumc and MUMC+
Classification: Likely pathogenic. Review status: no assertion criteria provided. Collection method: clinical testing. Allele origin: germline. Affected: yes. Study: VKGL Data-share Consensus. Not counted in ClinVar's aggregate classification.

UniProtKB/Swiss-Prot
No classification provided. Review status: no classification provided. Collection method: not provided. Allele origin: not provided. Not counted in ClinVar's aggregate classification.

Literature cited by the submitters: PubMed 10712197 (cited by 5 submitters); PubMed 15060124 (cited by 5 submitters); PubMed 16479075 (cited by 4 submitters); PubMed 19221814 (cited by Labcorp Genetics (formerly Invitae), Labcorp and Institute for Genomic Medicine (IGM) Clinical Laboratory, Nationwide Children's Hospital); PubMed 23668869 (cited by 3 submitters); PubMed 27322474 (cited by 3 submitters); PubMed 9109662 (cited by Labcorp Genetics (formerly Invitae), Labcorp); PubMed 22807134 (cited by 3 submitters); PubMed 9668168 (cited by 3 submitters); PubMed 26635368 (cited by Labcorp Genetics (formerly Invitae), Labcorp and Institute for Genomic Medicine (IGM) Clinical Laboratory, Nationwide Children's Hospital); PubMed 23047742 (cited by Institute for Genomic Medicine (IGM) Clinical Laboratory, Nationwide Children's Hospital and Laboratory for Molecular Medicine, Mass General Brigham Personalized Medicine); PubMed 23758643 (cited by Institute for Genomic Medicine (IGM) Clinical Laboratory, Nationwide Children's Hospital and Laboratory for Molecular Medicine, Mass General Brigham Personalized Medicine); PubMed 31595648 (cited by 3 submitters); PubMed 9545275 (cited by Institute for Genomic Medicine (IGM) Clinical Laboratory, Nationwide Children's Hospital and Laboratory for Molecular Medicine, Mass General Brigham Personalized Medicine); PubMed 9219684 (cited by Ambry Genetics); PubMed 9687500 (cited by Ambry Genetics); PubMed 17311297 (cited by Ambry Genetics); PubMed 24803665 (cited by Ambry Genetics); PubMed 29522274 (cited by Ambry Genetics); PubMed 20301288 (cited by Victorian Clinical Genetics Services, Murdoch Childrens Research Institute); PubMed 29290338 (cited by UAB Medical Genomics Laboratory, UAB Medicine); PubMed 24951259 (cited by Laboratory for Molecular Medicine, Mass General Brigham Personalized Medicine); PubMed 9302992 (cited by Laboratory for Molecular Medicine, Mass General Brigham Personalized Medicine).